The following is an entry in ClinVar:

NM_007194.4(CHEK2):c.684-13T>C

Gene: CHEK2 (checkpoint kinase 2; minus strand). Cytogenetic location: 22q12.1.
Variant type: single nucleotide variant.
Coding change: c.684-13T>C on transcript NM_007194.4 (MANE Select); 13 bases into the intron before coding-DNA position 684, T replaced by C.
Molecular consequence: intron variant.
Genome position (GRCh38, 1-based): chr22:28,712,030, A>G on the plus strand (T>C on the coding strand, the complement: CHEK2 is on the minus strand). VCF-style: chr22-28712030-A-G. GRCh37 (hg19) VCF-style: chr22-29108018-A-G.
Other names: c.21-13T>C (NM_001437942.1, NM_001257387.3); c.483-13T>C (NM_001349956.3); c.684-13T>C (NM_145862.3); c.777-13T>C (NM_001438295.1, NM_001438293.1); c.813-13T>C (NM_001438294.1, NM_001005735.3).
Identifiers: ClinVar variation 2757399 (VCV002757399.4), dbSNP rs2517965285, ClinGen allele CA2697552639.

ClinVar aggregate classification (germline): Likely benign. Review status: criteria provided, multiple submitters, no conflicts (2 of 4 stars). 2 submissions from 2 submitters: Likely benign (2). Last evaluated 2024-10-03.

Conditions:
Familial cancer of breast. Also called: Hereditary breast cancer; BREAST CANCER, FAMILIAL; hereditary breast carcinoma. Identifiers: Orphanet 227535, MedGen C0346153, MONDO:0016419, OMIM 114480. Disease mechanism: loss of function.

Submissions (2):

Myriad Genetics, Inc.
Classification: Likely benign for Familial cancer of breast. Last evaluated: 2024-10-03. Review status: criteria provided, single submitter. Criteria: Myriad Autosomal Dominant, Autosomal Recessive and X-Linked Classification Criteria (2023). Collection method: clinical testing. Allele origin: unknown.
Comment: This variant is considered likely benign. This variant is intronic and is not expected to impact mRNA splicing.

Labcorp Genetics (formerly Invitae), Labcorp
Classification: Likely benign for Familial cancer of breast. Last evaluated: 2023-09-04. Review status: criteria provided, single submitter. Criteria: Invitae Variant Classification Sherloc (09022015). Collection method: clinical testing. Allele origin: germline.